The following is an entry in ClinVar:

ClinVar aggregate classification (germline): Pathogenic. Review status: criteria provided, multiple submitters, no conflicts (2 of 4 stars). 3 submissions from 3 submitters: Pathogenic (3). Last evaluated 2025-03-04.

Conditions:
Hypotonia, infantile, with psychomotor retardation and characteristic facies 2 (IHPRF2). Also called: UNC80 Deficiency. Identifiers: Orphanet 371364, Orphanet 700333, MedGen C4225203, MONDO:0014777, OMIM 616801.
Hypotonia, infantile, with psychomotor retardation and characteristic facies 1 (INNFD). Identifiers: Orphanet 371364, Orphanet 700336, MedGen C3809454, MONDO:0024567, OMIM 615419.

Submissions (3):

Institute of Human Genetics, University of Leipzig Medical Center
Classification: Pathogenic for Hypotonia, infantile, with psychomotor retardation and characteristic facies 1. Last evaluated: 2025-03-04. Review status: criteria provided, single submitter. Criteria: ACMG Guidelines, 2015. Collection method: clinical testing. Allele origin: unknown. Inheritance: Autosomal recessive inheritance. Affected: yes.
Comment: Criteria applied: PVS1,PM2,PM3_SUP

3billion
Classification: Pathogenic for Hypotonia, infantile, with psychomotor retardation and characteristic facies 2. Last evaluated: 2023-12-06. Review status: criteria provided, single submitter. Criteria: ACMG Guidelines, 2015. Collection method: clinical testing. Allele origin: germline. Affected: yes.
Comment: The variant is not observed in the gnomAD v2.1.1 dataset. Predicted Consequence/Location: Frameshift: predicted to result in a loss or disruption of normal protein function through nonsense-mediated decay (NMD) or protein truncation. Multiple pathogenic variants are reported downstream of the variant. In silico tools predict the variant to alter splicing and produce an abnormal transcript [Splice AI: 0.94 (spliceogenicity >=0.2, non-spliceogenicity <0.1)]. The variant has been reported to be associated with UNC80 related disorder (ClinVar ID: VCV000488633). Therefore, this variant is classified as Pathogenic according to the recommendation of ACMG/AMP guideline.

Institute of Human Genetics Munich, TUM University Hospital
Classification: Pathogenic for Hypotonia, infantile, with psychomotor retardation and characteristic facies 2. Last evaluated: 2017-12-11. Review status: criteria provided, single submitter. Criteria: Classification criteria August 2017. Collection method: clinical testing. Allele origin: inherited. Inheritance: Autosomal recessive inheritance. Affected: yes. Observed: 1 homozygote.

NM_001371986.1(UNC80):c.8771_8772del (p.Lys2924fs)

Gene: UNC80 (unc-80 subunit of NALCN channel complex; plus strand). Cytogenetic location: 2q34.
Variant type: Deletion.
Coding change: c.8771_8772del on transcript NM_001371986.1 (MANE Select); coding-DNA positions 8771 to 8772, 2 bases deleted (AG; older notation c.8771_8772delAG).
Protein change: p.Lys2924fs; shifts the reading frame from lysine 2924.
Molecular consequence: frameshift variant.
Genome position (GRCh38, 1-based): chr2:209,976,302-209,976,303, AG deleted. VCF-style (leftmost placement, unchanged base first): chr2-209976301-AAG-A. GRCh37 (hg19) VCF-style: chr2-210841025-AAG-A.
Other names: c.8573_8574del, p.Lys2858fs (NM_032504.2); c.8558_8559del, p.Lys2853fs (NM_182587.4); short protein forms K2853fs, K2858fs, K2924fs.
Identifiers: ClinVar variation 488633 (VCV000488633.3), dbSNP rs1553621490, ClinGen allele CA658683282.